The following is an entry in ClinVar:

ClinVar aggregate classification (germline): Uncertain significance (1 of 4 stars; one submission).

Conditions:
Familial infantile myasthenia (CMS6). Also called: Congenital myasthenic syndrome type 6; MYASTHENIC SYNDROME, PRESYNAPTIC, CONGENITAL, ASSOCIATED WITH EPISODIC APNEA; MYASTHENIC SYNDROME, CONGENITAL, 6, PRESYNAPTIC. Identifiers: Orphanet 590, MedGen C0393929, MONDO:0009689, OMIM 254210.

Allele frequency attached by ClinVar (database versions not stated): ExAC 0.00002; gnomAD 0.00004; gnomAD exomes 0.00004; TOPMed 0.00005.
gnomAD v4.1: 68 of 1,614,064 alleles (0.0042%); highest among the groups gnomAD compares: Middle Eastern, 0.049%; no homozygotes.

Submission:

Labcorp Genetics (formerly Invitae), Labcorp
Classification: Uncertain significance for Familial infantile myasthenia. Last evaluated: 2022-10-17. Review status: criteria provided, single submitter. Criteria: Invitae Variant Classification Sherloc (09022015). Collection method: clinical testing. Allele origin: germline.
Comment: This sequence change falls in intron 14 of the CHAT gene. It does not directly change the encoded amino acid sequence of the CHAT protein. It affects a nucleotide within the consensus splice site. This variant is present in population databases (rs780449243, gnomAD 0.006%). This variant has not been reported in the literature in individuals affected with CHAT-related conditions. ClinVar contains an entry for this variant (Variation ID: 1478038). Variants that disrupt the consensus splice site are a relatively common cause of aberrant splicing (PMID: 17576681, 9536098). Algorithms developed to predict the effect of sequence changes on RNA splicing suggest that this variant is not likely to affect RNA splicing. In summary, the available evidence is currently insufficient to determine the role of this variant in disease. Therefore, it has been classified as a Variant of Uncertain Significance.

Literature cited by the submitters: PubMed 17576681; PubMed 9536098.

NM_020549.5(CHAT):c.1977+5G>A

Gene: CHAT (choline O-acetyltransferase; plus strand). Cytogenetic location: 10q11.23.
Variant type: single nucleotide variant.
Coding change: c.1977+5G>A on transcript NM_020549.5 (MANE Select); 5 bases into the intron after coding-DNA position 1977, G replaced by A.
Molecular consequence: intron variant.
Genome position (GRCh38, 1-based): chr10:49,662,787, G>A. VCF-style: chr10-49662787-G-A. GRCh37 (hg19) VCF-style: chr10-50870833-G-A.
Other names: c.1623+5G>A (NM_020984.4, NM_020985.4, NM_020986.4 and 2 more transcripts); c.1731+5G>A (NM_001142933.2).
Identifiers: ClinVar variation 1478038 (VCV001478038.3), dbSNP rs780449243, ClinGen allele CA5497685.